The following is an entry in ClinVar:

ClinVar aggregate classification (germline): Conflicting classifications of pathogenicity. Review status: criteria provided, conflicting classifications (1 of 4 stars). 3 submissions from 3 submitters: Uncertain significance (2); Likely benign (1). Last evaluated 2026-03-19.

Conditions:
KIT-related disorder. Also called: KIT-related condition.
Hereditary cancer-predisposing syndrome. Also called: Tumor predisposition; Hereditary neoplastic syndrome; Neoplastic Syndromes, Hereditary; Hereditary Cancer Syndrome. Identifiers: Orphanet 140162, MedGen C0027672, MeSH D009386, MONDO:0015356.
Gastrointestinal stromal tumor. Also called: Gastrointestinal stromal tumor, somatic; Gastrointestinal stroma tumor. Identifiers: Orphanet 44890, MedGen C0238198, MeSH D046152, MONDO:0011719, OMIM 606764, HP:0100723.

Allele frequency attached by ClinVar (database versions not stated): gnomAD exomes below 0.00001 and 0.00002.
gnomAD v4.1: 6 of 1,614,130 alleles (0.00037%); highest among the groups gnomAD compares: East Asian, 0.013%; no homozygotes.

Submissions (3):

PreventionGenetics, part of Exact Sciences
Classification: Uncertain significance for KIT-related condition. Last evaluated: 2026-03-19. Review status: criteria provided, single submitter. Criteria: ACMG Guidelines, 2015. Collection method: clinical testing. Allele origin: germline.
Comment: The KIT c.1582G>A variant is predicted to result in the amino acid substitution p.Gly528Ser. To our knowledge, this variant has not been reported in the literature. This variant is reported in 0.022% of alleles in individuals of East Asian descent in gnomAD and has conflicting interpretations in ClinVar ranging from likely benign to uncertain (Variation ID: 458879). Although we suspect that this variant may be benign, at this time, the clinical significance of this variant is uncertain due to the absence of conclusive functional and genetic evidence.

Labcorp Genetics (formerly Invitae), Labcorp
Classification: Uncertain significance for Gastrointestinal stromal tumor. Last evaluated: 2025-12-15. Review status: criteria provided, single submitter. Criteria: Invitae Variant Classification Sherloc (09022015). Collection method: clinical testing. Allele origin: germline.
Comment: This sequence change replaces glycine, which is neutral and non-polar, with serine, which is neutral and polar, at codon 528 of the KIT protein (p.Gly528Ser). This variant is present in population databases (no rsID available, gnomAD 0.02%). This variant has not been reported in the literature in individuals affected with KIT-related conditions. ClinVar contains an entry for this variant (Variation ID: 458879). An algorithm developed to predict the effect of missense changes on protein structure and function (PolyPhen-2) suggests that this variant is likely to be disruptive. In summary, the available evidence is currently insufficient to determine the role of this variant in disease. Therefore, it has been classified as a Variant of Uncertain Significance.

Ambry Genetics
Classification: Likely benign for Hereditary cancer-predisposing syndrome. Last evaluated: 2024-10-28. Review status: criteria provided, single submitter. Criteria: Ambry Variant Classification Scheme 2023. Collection method: clinical testing. Allele origin: germline.

NM_000222.3(KIT):c.1582G>A (p.Gly528Ser)

Gene: KIT (KIT proto-oncogene, receptor tyrosine kinase; plus strand). Cytogenetic location: 4q12.
Variant type: single nucleotide variant.
Coding change: c.1582G>A on transcript NM_000222.3 (MANE Select); coding-DNA position 1582, G replaced by A.
Protein change: p.Gly528Ser; replaces glycine 528 with serine.
Molecular consequence: missense variant.
Genome position (GRCh38, 1-based): chr4:54,727,259, G>A. VCF-style: chr4-54727259-G-A. GRCh37 (hg19) VCF-style: chr4-55593425-G-A.
Other names: c.1570G>A, p.Gly524Ser (NM_001093772.2, NM_001385286.1); c.1585G>A, p.Gly529Ser (NM_001385284.1, NM_001385290.1); c.1582G>A, p.Gly528Ser (NM_001385285.1); c.1573G>A, p.Gly525Ser (NM_001385288.1, NM_001385292.1); short protein forms G528S, G524S, G525S, G529S.
Identifiers: ClinVar variation 458879 (VCV000458879.11), dbSNP rs1326606159, ClinGen allele CA356907002.